The following is an entry in ClinVar:

ClinVar aggregate classification (germline): Pathogenic (1 of 4 stars; one submission).

Submission:

Labcorp Genetics (formerly Invitae), Labcorp
Classification: Pathogenic. Last evaluated: 2025-09-02. Review status: criteria provided, single submitter. Criteria: Invitae Variant Classification Sherloc (09022015). Collection method: clinical testing. Allele origin: germline.
Comment: This sequence change creates a premature translational stop signal (p.Gln9*) in the HNF1B gene. It is expected to result in an absent or disrupted protein product. Loss-of-function variants in HNF1B are known to be pathogenic (PMID: 9398836, 12148114, 15068978, 20378641). This variant is not present in population databases (gnomAD no frequency). This premature translational stop signal has been observed in individual(s) with renal cysts and diabetes syndrome (PMID: 31980526). ClinVar contains an entry for this variant (Variation ID: 2163399). For these reasons, this variant has been classified as Pathogenic.

Literature cited by the submitters: PubMed 9398836; PubMed 12148114; PubMed 15068978; PubMed 20378641; PubMed 31980526.

NM_000458.4(HNF1B):c.25C>T (p.Gln9Ter)

Gene: HNF1B (HNF1 homeobox B; minus strand). Cytogenetic location: 17q12.
Variant type: single nucleotide variant.
Coding change: c.25C>T on transcript NM_000458.4 (MANE Select); coding-DNA position 25, C replaced by T.
Protein change: p.Gln9Ter; replaces glutamine 9 with a stop codon.
Molecular consequence: nonsense.
Genome position (GRCh38, 1-based): chr17:37,744,860, G>A on the plus strand (C>T on the coding strand, the complement: HNF1B is on the minus strand). VCF-style: chr17-37744860-G-A. GRCh37 (hg19) VCF-style: chr17-36104851-G-A.
Other names: c.25C>T, p.Gln9Ter (NM_001165923.4, NM_001304286.2, NM_001411100.1); short protein forms Q9*.
Identifiers: ClinVar variation 2163399 (VCV002163399.4), dbSNP rs2511853625, ClinGen allele CA398755209.